The following is an entry in ClinVar:

ClinVar aggregate classification (germline): Likely benign (1 of 4 stars; one submission).

Allele frequency attached by ClinVar (database versions not stated): 1000 Genomes Project 30x 0.00125; 1000 Genomes Project 0.00140; gnomAD 0.00409; TOPMed 0.00424; ExAC 0.00516; gnomAD exomes 0.00542; ESP Exome Variant Server 0.00569.
gnomAD v4.1: 8,584 of 1,614,112 alleles (0.53%); highest among the groups gnomAD compares: South Asian, 0.67%; 68 homozygotes.

Submissions (14):

CeGaT Center for Human Genetics Tuebingen
Classification: Likely benign. Last evaluated: 2023-03-01. Review status: criteria provided, single submitter. Criteria: CeGaT Center For Human Genetics Tuebingen Variant Classification Criteria Version 2. Collection method: clinical testing. Allele origin: germline. Affected: yes. Observed: 1 variant allele.
Comment: EXOC3L1: BP4, BS2

Dr. Peter K. Rogan Lab, Western University
No classification provided (evidence only). Condition: Clear cell carcinoma of kidney. Review status: no classification provided. Collection method: in vitro. Allele origin: not applicable. Functional consequence: retained intron. Not counted in ClinVar's aggregate classification.

Dr. Peter K. Rogan Lab, Western University
No classification provided (evidence only). Condition: Familial cancer of breast. Review status: no classification provided. Collection method: in vitro. Allele origin: not applicable. Functional consequence: retained intron. Not counted in ClinVar's aggregate classification.

Dr. Peter K. Rogan Lab, Western University
No classification provided (evidence only). Condition: Familial cancer of breast. Review status: no classification provided. Collection method: in vitro. Allele origin: not applicable. Functional consequence: retained intron. Not counted in ClinVar's aggregate classification.

Dr. Peter K. Rogan Lab, Western University
No classification provided (evidence only). Condition: Colon adenocarcinoma. Review status: no classification provided. Collection method: in vitro. Allele origin: not applicable. Functional consequence: retained intron. Not counted in ClinVar's aggregate classification.

Dr. Peter K. Rogan Lab, Western University
No classification provided (evidence only). Condition: Colon adenocarcinoma. Review status: no classification provided. Collection method: in vitro. Allele origin: not applicable. Functional consequence: retained intron. Not counted in ClinVar's aggregate classification.

Dr. Peter K. Rogan Lab, Western University
No classification provided (evidence only). Condition: Thyroid cancer, nonmedullary, 1. Review status: no classification provided. Collection method: in vitro. Allele origin: not applicable. Functional consequence: retained intron. Not counted in ClinVar's aggregate classification.

Dr. Peter K. Rogan Lab, Western University
No classification provided (evidence only). Condition: Nonpapillary renal cell carcinoma. Review status: no classification provided. Collection method: in vitro. Allele origin: not applicable. Functional consequence: retained intron. Not counted in ClinVar's aggregate classification.

Dr. Peter K. Rogan Lab, Western University
No classification provided (evidence only). Condition: Thymoma. Review status: no classification provided. Collection method: in vitro. Allele origin: not applicable. Functional consequence: retained intron. Not counted in ClinVar's aggregate classification.

Dr. Peter K. Rogan Lab, Western University
No classification provided (evidence only). Condition: Ovarian serous cystadenocarcinoma. Review status: no classification provided. Collection method: in vitro. Allele origin: not applicable. Functional consequence: retained intron. Not counted in ClinVar's aggregate classification.

Dr. Peter K. Rogan Lab, Western University
No classification provided (evidence only). Condition: Ovarian serous cystadenocarcinoma. Review status: no classification provided. Collection method: in vitro. Allele origin: not applicable. Functional consequence: retained intron. Not counted in ClinVar's aggregate classification.

Dr. Peter K. Rogan Lab, Western University
No classification provided (evidence only). Condition: Ovarian serous cystadenocarcinoma. Review status: no classification provided. Collection method: in vitro. Allele origin: not applicable. Functional consequence: retained intron. Not counted in ClinVar's aggregate classification.

Dr. Peter K. Rogan Lab, Western University
No classification provided (evidence only). Condition: Malignant tumor of esophagus. Review status: no classification provided. Collection method: in vitro. Allele origin: not applicable. Functional consequence: retained intron. Not counted in ClinVar's aggregate classification.

Dr. Peter K. Rogan Lab, Western University
No classification provided (evidence only). Condition: Malignant tumor of esophagus. Review status: no classification provided. Collection method: in vitro. Allele origin: not applicable. Functional consequence: retained intron. Not counted in ClinVar's aggregate classification.

NM_178516.4(EXOC3L1):c.1346A>G (p.His449Arg)

Gene: EXOC3L1 (exocyst complex component 3 like 1; minus strand). Cytogenetic location: 16q22.1.
Variant type: single nucleotide variant.
Coding change: c.1346A>G on transcript NM_178516.4 (MANE Select); coding-DNA position 1346, A replaced by G.
Protein change: p.His449Arg; replaces histidine 449 with arginine.
Molecular consequence: missense variant.
Genome position (GRCh38, 1-based): chr16:67,186,596, T>C on the plus strand (A>G on the coding strand, the complement: EXOC3L1 is on the minus strand). VCF-style: chr16-67186596-T-C. GRCh37 (hg19) VCF-style: chr16-67220499-T-C.
Other names: NC_000016.9:g.67220499T>C; short protein forms H449R.
Identifiers: ClinVar variation 2646611 (VCV002646611.25), dbSNP rs147432381, ClinGen allele CA8103091.